The following is an entry in ClinVar:

NC_012920.1(MT-ND5):m.12424A>G

Gene: MT-ND5 (mitochondrially encoded NADH dehydrogenase 5; plus strand).
Variant type: single nucleotide variant.
Genome position: chrM-12424-A-G.
Identifiers: ClinVar variation 693438 (VCV000693438.1), dbSNP rs1603223732, ClinGen allele CA414813089.

ClinVar aggregate classification (germline): Likely benign (1 of 4 stars; one submission).

Conditions:
Leigh syndrome (NULS). Also called: Leigh's necrotizing encephalopathy; Leigh's disease; Leigh Syndrome (mtDNA deletion); Leigh Disease; Subacute necrotizing encephalopathy; Necrotizing encephalopathy infantile subacute of Leigh. Identifiers: Orphanet 506, MedGen C2931891, MONDO:0009723, OMIM 256000.

Submission:

Wong Mito Lab, Molecular and Human Genetics, Baylor College of Medicine
Classification: Likely benign for Leigh syndrome. Last evaluated: 2019-10-17. Review status: criteria provided, single submitter. Criteria: Modified ACMG Guidelines (Unpublished). Collection method: clinical testing. Allele origin: germline.
Comment: The NC_012920.1:m.12424A>G (YP_003024036.1:p.Asn30Asp) variant in MTND5 gene is interpretated to be a Likely Benign variant based on the modified ACMG guidelines (unpublished). This variant meets the following evidence codes: BS4, BP4